The following is an entry in ClinVar:

ClinVar aggregate classification (germline): Uncertain significance (1 of 4 stars; one submission).

Allele frequency attached by ClinVar (database versions not stated): gnomAD exomes below 0.00001.
gnomAD v4.1: 1 of 1,614,074 alleles (0.000062%); highest among the groups gnomAD compares: East Asian, 0.0022%; no homozygotes.

Submission:

Labcorp Genetics (formerly Invitae), Labcorp
Classification: Uncertain significance. Last evaluated: 2021-01-19. Review status: criteria provided, single submitter. Criteria: Invitae Variant Classification Sherloc (09022015). Collection method: clinical testing. Allele origin: germline.
Comment: This sequence change replaces asparagine with serine at codon 2050 of the RP1 protein (p.Asn2050Ser). The asparagine residue is weakly conserved and there is a small physicochemical difference between asparagine and serine. This variant is not present in population databases (ExAC no frequency). This variant has been observed in individual(s) with retinitis pigmentosa (Invitae). Algorithms developed to predict the effect of missense changes on protein structure and function (SIFT, PolyPhen-2, Align-GVGD) all suggest that this variant is likely to be tolerated, but these predictions have not been confirmed by published functional studies and their clinical significance is uncertain. In summary, the available evidence is currently insufficient to determine the role of this variant in disease. Therefore, it has been classified as a Variant of Uncertain Significance.

NM_006269.2(RP1):c.6149A>G (p.Asn2050Ser)

Gene: RP1 (RP1 axonemal microtubule associated; plus strand). Cytogenetic location: 8q12.1.
Variant type: single nucleotide variant.
Coding change: c.6149A>G on transcript NM_006269.2 (MANE Select); coding-DNA position 6149, A replaced by G.
Protein change: p.Asn2050Ser; replaces asparagine 2050 with serine.
Molecular consequence: missense variant. On other transcripts: intron variant (1).
Genome position (GRCh38, 1-based): chr8:54,630,031, A>G. VCF-style: chr8-54630031-A-G. GRCh37 (hg19) VCF-style: chr8-55542591-A-G.
Other names: c.787+7743A>G (NM_001375654.1); short protein forms N2050S.
Identifiers: ClinVar variation 1478585 (VCV001478585.8), dbSNP rs1255944226, ClinGen allele CA370990781.